The following is an entry in ClinVar:

NM_024675.4(PALB2):c.3121A>G (p.Lys1041Glu)

Gene: PALB2 (partner and localizer of BRCA2; minus strand). Cytogenetic location: 16p12.2.
Variant type: single nucleotide variant.
Coding change: c.3121A>G on transcript NM_024675.4 (MANE Select); coding-DNA position 3121, A replaced by G.
Protein change: p.Lys1041Glu; replaces lysine 1041 with glutamic acid.
Molecular consequence: missense variant.
Genome position (GRCh38, 1-based): chr16:23,614,084, T>C on the plus strand (A>G on the coding strand, the complement: PALB2 is on the minus strand). VCF-style: chr16-23614084-T-C. GRCh37 (hg19) VCF-style: chr16-23625405-T-C.
Other names: short protein forms K1041E.
Identifiers: ClinVar variation 484237 (VCV000484237.13), dbSNP rs1175812630, ClinGen allele CA395141456.
Genomic context (GRCh38, chr16:23,614,084, plus strand): 5'-GACAGACTGAAGCTTGGTAAGAATCATCAATGTGCATCTTTTTCAGGAGTTGACCAGTTT[T>C]TAAATTCCTTAGATAACAAAAATAAATAAGCTGATCACATTCTTCCAACAAACCAGTTTT-3'
Protein context (NP_078951.2, residues 1031-1051): IMNNIVIWNL[Lys1041Glu]TGQLLKKMHI

ClinVar aggregate classification (germline): Uncertain significance. Review status: criteria provided, multiple submitters, no conflicts (2 of 4 stars). 2 submissions from 2 submitters: Uncertain significance (2). Last evaluated 2024-09-06.

Conditions:
Hereditary cancer-predisposing syndrome. Also called: Neoplastic Syndromes, Hereditary; Tumor predisposition; Hereditary Cancer Syndrome; Hereditary neoplastic syndrome. Identifiers: Orphanet 140162, MedGen C0027672, MeSH D009386, MONDO:0015356.
Familial cancer of breast. Also called: BREAST CANCER, FAMILIAL; Hereditary breast cancer; hereditary breast carcinoma. Identifiers: Orphanet 227535, MedGen C0346153, MONDO:0016419, OMIM 114480. Disease mechanism: loss of function.

Allele frequency attached by ClinVar (database versions not stated): gnomAD exomes below 0.00001; TOPMed below 0.00001.
gnomAD v4.1: 1 of 1,606,172 alleles (0.000062%); highest among the groups gnomAD compares: Non-Finnish European, 0.000085%; no homozygotes.

Submissions (2):

Ambry Genetics
Classification: Uncertain significance for Hereditary cancer-predisposing syndrome. Last evaluated: 2024-09-06. Review status: criteria provided, single submitter. Criteria: Ambry Variant Classification Scheme 2023. Collection method: clinical testing. Allele origin: germline.
Comment: The p.K1041E variant (also known as c.3121A>G), located in coding exon 11 of the PALB2 gene, results from an A to G substitution at nucleotide position 3121. The lysine at codon 1041 is replaced by glutamic acid, an amino acid with similar properties. This amino acid position is well conserved in available vertebrate species. In addition, this alteration is predicted to be tolerated by in silico analysis. Since supporting evidence is limited at this time, the clinical significance of this alteration remains unclear.

Labcorp Genetics (formerly Invitae), Labcorp
Classification: Uncertain significance for Familial cancer of breast. Last evaluated: 2024-06-11. Review status: criteria provided, single submitter. Criteria: Invitae Variant Classification Sherloc (09022015). Collection method: clinical testing. Allele origin: germline.
Comment: This sequence change replaces lysine, which is basic and polar, with glutamic acid, which is acidic and polar, at codon 1041 of the PALB2 protein (p.Lys1041Glu). This variant is not present in population databases (gnomAD no frequency). This variant has not been reported in the literature in individuals affected with PALB2-related conditions. ClinVar contains an entry for this variant (Variation ID: 484237). Advanced modeling of protein sequence and biophysical properties (such as structural, functional, and spatial information, amino acid conservation, physicochemical variation, residue mobility, and thermodynamic stability) performed at Invitae indicates that this missense variant is expected to disrupt PALB2 protein function with a positive predictive value of 80%. In summary, the available evidence is currently insufficient to determine the role of this variant in disease. Therefore, it has been classified as a Variant of Uncertain Significance.